The following is an entry in ClinVar:

NM_002691.4(POLD1):c.487G>A (p.Asp163Asn)

Gene: POLD1 (DNA polymerase delta 1, catalytic subunit; plus strand). Cytogenetic location: 19q13.33.
Variant type: single nucleotide variant.
Coding change: c.487G>A on transcript NM_002691.4 (MANE Select); coding-DNA position 487, G replaced by A.
Protein change: p.Asp163Asn; replaces aspartic acid 163 with asparagine.
Molecular consequence: missense variant. On other transcripts: non-coding transcript variant (1).
Genome position (GRCh38, 1-based): chr19:50,402,022, G>A. VCF-style: chr19-50402022-G-A. GRCh37 (hg19) VCF-style: chr19-50905279-G-A.
Other names: c.487G>A, p.Asp163Asn (NM_001256849.1, NM_001308632.1); short protein forms D163N.
Identifiers: ClinVar variation 1354539 (VCV001354539.6), dbSNP rs753299061, ClinGen allele CA9595762.

ClinVar aggregate classification (germline): Uncertain significance (1 of 4 stars; one submission).

Conditions:
POLD1-related polyposis and colorectal cancer syndrome (CRCS10). Also called: Colorectal cancer, susceptibility to, 10; Colorectal cancer 10; COLORECTAL CANCER, SUSCEPTIBILITY TO, ON CHROMOSOME 19q. Identifiers: Orphanet 220460, MedGen C2675481, MONDO:0012953, OMIM 612591.

Allele frequency attached by ClinVar (database versions not stated): gnomAD exomes below 0.00001; ExAC 0.00001.
gnomAD v4.1: 1 of 1,614,096 alleles (0.000062%); highest among the groups gnomAD compares: South Asian, 0.0011%; no homozygotes.

Submission:

Labcorp Genetics (formerly Invitae), Labcorp
Classification: Uncertain significance for POLD1-related polyposis and colorectal cancer syndrome. Last evaluated: 2024-04-08. Review status: criteria provided, single submitter. Criteria: Invitae Variant Classification Sherloc (09022015). Collection method: clinical testing. Allele origin: germline.
Comment: This sequence change replaces aspartic acid, which is acidic and polar, with asparagine, which is neutral and polar, at codon 163 of the POLD1 protein (p.Asp163Asn). This variant is present in population databases (rs753299061, gnomAD 0.003%). This variant has not been reported in the literature in individuals affected with POLD1-related conditions. ClinVar contains an entry for this variant (Variation ID: 1354539). Advanced modeling of protein sequence and biophysical properties (such as structural, functional, and spatial information, amino acid conservation, physicochemical variation, residue mobility, and thermodynamic stability) performed at Invitae indicates that this missense variant is not expected to disrupt POLD1 protein function with a negative predictive value of 80%. In summary, the available evidence is currently insufficient to determine the role of this variant in disease. Therefore, it has been classified as a Variant of Uncertain Significance.